The following is an entry in ClinVar:

NM_001267550.2(TTN):c.91+1G>A

Gene: TTN (titin; minus strand). Cytogenetic location: 2q31.2.
Variant type: single nucleotide variant.
Coding change: c.91+1G>A on transcript NM_001267550.2 (MANE Select); the canonical splice donor site of the intron after coding-DNA position 91, G replaced by A.
Molecular consequence: splice donor variant.
Genome position (GRCh38, 1-based): chr2:178,804,551, C>T on the plus strand (G>A on the coding strand, the complement: TTN is on the minus strand). VCF-style: chr2-178804551-C-T. GRCh37 (hg19) VCF-style: chr2-179669278-C-T.
Other names: c.91+1G>A (NM_003319.4, NM_133437.4, NM_133432.3 and 3 more transcripts).
Identifiers: ClinVar variation 1490096 (VCV001490096.6), dbSNP rs2154360987, ClinGen allele CA349533249.

ClinVar aggregate classification (germline): Likely pathogenic (1 of 4 stars; one submission).

Conditions:
Dilated cardiomyopathy 1G (CMD1G). Identifiers: Orphanet 154, MedGen C1858763, MONDO:0011400, OMIM 604145.
Autosomal recessive limb-girdle muscular dystrophy type 2J (LGMDR10). Also called: Limb-girdle muscular dystrophy, type 2J; MUSCULAR DYSTROPHY, LIMB-GIRDLE, AUTOSOMAL RECESSIVE 10. Identifiers: Orphanet 140922, MedGen C1837342, MONDO:0012127, OMIM 608807.

Submission:

Labcorp Genetics (formerly Invitae), Labcorp
Classification: Likely pathogenic for Dilated cardiomyopathy 1G; Autosomal recessive limb-girdle muscular dystrophy type 2J. Last evaluated: 2024-10-18. Review status: criteria provided, single submitter. Criteria: Invitae Variant Classification Sherloc (09022015). Collection method: clinical testing. Allele origin: germline.
Comment: This sequence change affects a donor splice site in intron 2 of the TTN gene. It is expected to disrupt RNA splicing and likely results in a truncated or disrupted TTN protein. This variant is not present in population databases (gnomAD no frequency). This variant has not been reported in the literature in individuals affected with TTN-related conditions. ClinVar contains an entry for this variant (Variation ID: 1490096). Algorithms developed to predict the effect of sequence changes on RNA splicing suggest that this variant may disrupt the consensus splice site. This variant is located in the Z band of TTN (PMID: 25589632). Truncating variants in this region have been reported in individuals affected with autosomal recessive centronuclear myopathy (PMID: 33449170, internal data). Truncating variants in this region have also been identified in individuals affected with autosomal dominant dilated cardiomyopathy and/or cardio-related conditions (PMID: 27869827, 32964742, internal data). In summary, the currently available evidence indicates that the variant is pathogenic, but additional data are needed to prove that conclusively. Therefore, this variant has been classified as Likely Pathogenic.

Literature cited by the submitters: PubMed 25589632; PubMed 33449170; PubMed 27869827; PubMed 32964742.